The following is an entry in ClinVar:

ClinVar aggregate classification (germline): Pathogenic (1 of 4 stars; one submission).

Submission:

Quest Diagnostics Nichols Institute San Juan Capistrano
Classification: Pathogenic. Last evaluated: 2023-04-28. Review status: criteria provided, single submitter. Criteria: ACMG/ClinGen CNV Guidelines, 2019. Collection method: clinical testing. Allele origin: unknown.
Comment: This recurrent deletion interval (BP2-BP3) of the Prader-Willi/Angelman critical region includes several imprinted genes, including paternally expressed SNRPN and maternally expressed UBE3A. Deletions of this imprinted region have been associated with either Angelman (AS; OMIM 105830) or Prader-Willi (PWS; OMIM 176270) syndrome, depending on the parental origin for the deletion. See GeneReviews for additional information and references regarding Angelman Syndrome or Prader-Willi syndrome.

GRCh37/hg19 15q11.2-13.1(chr15:23288374-29062203)x1

Genes: ATP10A (ATPase phospholipid transporting 10A (putative); minus strand), GABRA5 (gamma-aminobutyric acid type A receptor subunit alpha5; plus strand), GABRB3 (gamma-aminobutyric acid type A receptor subunit beta3; minus strand), GABRG3 (gamma-aminobutyric acid type A receptor subunit gamma3; plus strand), GOLGA6L2 (golgin A6 family like 2; minus strand) and 20 more. Cytogenetic location: 15q11.2-13.1.
Variant type: copy number loss.
Change: copy number 1 (one copy instead of two) of chr15:23,288,374-29,062,203 (5.77 Mb, GRCh37 coordinates, 1-based), cytogenetic band 15q11.2-13.1.
Identifiers: ClinVar variation 564154 (VCV000564154.4).